The following is an entry in ClinVar:

ClinVar aggregate classification (germline): Pathogenic (1 of 4 stars; one submission).

Conditions:
Immunodeficiency 51 (IMD51). Also called: CANDIDIASIS, FAMILIAL, 5. Identifiers: Orphanet 1334, MedGen C4310803, MONDO:0013500, OMIM 613953.

Submission:

Labcorp Genetics (formerly Invitae), Labcorp
Classification: Pathogenic for Immunodeficiency 51. Last evaluated: 2022-05-28. Review status: criteria provided, single submitter. Criteria: Invitae Variant Classification Sherloc (09022015). Collection method: clinical testing. Allele origin: germline.
Comment: For these reasons, this variant has been classified as Pathogenic. This variant has not been reported in the literature in individuals affected with IL17RA-related conditions. This sequence change creates a premature translational stop signal (p.Thr69Profs*51) in the IL17RA gene. It is expected to result in an absent or disrupted protein product. Loss-of-function variants in IL17RA are known to be pathogenic (PMID: 27930337). This variant is not present in population databases (gnomAD no frequency).

Literature cited by the submitters: PubMed 27930337.

NM_014339.7(IL17RA):c.205del (p.Thr69fs)

Gene: IL17RA (interleukin 17 receptor A; plus strand). Cytogenetic location: 22q11.1.
Variant type: Deletion.
Coding change: c.205del on transcript NM_014339.7 (MANE Select); coding-DNA position 205, one base deleted (A; older notation c.205delA).
Protein change: p.Thr69fs; shifts the reading frame from threonine 69.
Molecular consequence: frameshift variant.
Genome position (GRCh38, 1-based): chr22:17,097,838, A deleted. VCF-style (leftmost placement, unchanged base first): chr22-17097837-GA-G. GRCh37 (hg19) VCF-style: chr22-17578727-GA-G.
Other names: c.205del, p.Thr69fs (NM_001289905.2); short protein forms T69fs.
Identifiers: ClinVar variation 2000048 (VCV002000048.4), dbSNP rs2517158918, ClinGen allele CA2580099058.